The following is an entry in ClinVar:

NM_016011.5(MECR):c.861dup (p.Met288fs)

Gene: MECR (mitochondrial trans-2-enoyl-CoA reductase; minus strand). Cytogenetic location: 1p35.3.
Variant type: Duplication.
Coding change: c.861dup on transcript NM_016011.5 (MANE Select); coding-DNA position 861, one base duplicated (G; older notation c.861dupG).
Protein change: p.Met288fs; shifts the reading frame from methionine 288.
Molecular consequence: frameshift variant. On other transcripts: non-coding transcript variant (4).
Genome position (GRCh38, 1-based): chr1:29,196,228, C duplicated on the plus strand (G on the coding strand, the reverse complement: MECR is on the minus strand); the first of 6 consecutive C bases (chr1:29,196,228-29,196,233); duplicating any one gives the same sequence. VCF-style (leftmost placement, unchanged base first): chr1-29196227-T-TC. GRCh37 (hg19) VCF-style: chr1-29522739-T-TC.
Other names: c.633dup, p.Met212fs (NM_001024732.4, NM_001349711.2, NM_001349712.2 and 2 more transcripts); c.966dup, p.Met323fs (NM_001349715.2); c.945dup, p.Met316fs (NM_001349716.2); c.711dup, p.Met238fs (NM_001349717.2); short protein forms M238fs, M288fs, M212fs, M323fs, M316fs.
Identifiers: ClinVar variation 2963153 (VCV002963153.3), dbSNP rs752871814, ClinGen allele CA725616.

ClinVar aggregate classification (germline): Pathogenic (1 of 4 stars; one submission).

Submission:

Labcorp Genetics (formerly Invitae), Labcorp
Classification: Pathogenic. Last evaluated: 2023-09-03. Review status: criteria provided, single submitter. Criteria: Invitae Variant Classification Sherloc (09022015). Collection method: clinical testing. Allele origin: germline.
Comment: For these reasons, this variant has been classified as Pathogenic. Algorithms developed to predict the effect of sequence changes on RNA splicing suggest that this variant may disrupt the consensus splice site. This variant has not been reported in the literature in individuals affected with MECR-related conditions. This variant is present in population databases (rs752871814, gnomAD 0.008%). This sequence change creates a premature translational stop signal (p.Met288Aspfs*16) in the MECR gene. It is expected to result in an absent or disrupted protein product. Loss-of-function variants in MECR are known to be pathogenic (PMID: 27817865).

Literature cited by the submitters: PubMed 27817865.